The following is an entry in ClinVar:

ClinVar aggregate classification (germline): Pathogenic/Likely pathogenic. Review status: criteria provided, multiple submitters, no conflicts (2 of 4 stars). 4 submissions from 4 submitters: Pathogenic (3); Likely pathogenic (1). Last evaluated 2025-03-11.

Conditions:
Primary ciliary dyskinesia. Also called: Ciliary dyskinesia. Identifiers: Orphanet 244, MedGen C0008780, MONDO:0016575, HP:0012265.
DNAH11-related disorders.
Primary ciliary dyskinesia 7. Also called: CILIARY DYSKINESIA, PRIMARY, 7, WITH OR WITHOUT SITUS INVERSUS. Identifiers: Orphanet 244, MedGen C2678473, MONDO:0012748, OMIM 611884.

Allele frequency attached by ClinVar (database versions not stated): gnomAD 0.00001; TOPMed 0.00001; ExAC 0.00002; gnomAD exomes 0.00002.
gnomAD v4.1: 26 of 1,613,064 alleles (0.0016%); highest among the groups gnomAD compares: Middle Eastern, 0.016%; no homozygotes.

Submissions (4):

Clinical Genetics Laboratory, Skane University Hospital Lund
Classification: Pathogenic for Primary ciliary dyskinesia 7. Last evaluated: 2025-03-11. Review status: criteria provided, single submitter. Criteria: ACMG Guidelines, 2015. Collection method: clinical testing. Allele origin: germline. Inheritance: Autosomal recessive inheritance. Affected: yes.
Comment: ACMG criteria used: PVS1, PM2, PM3_supporting, PP4.

Labcorp Genetics (formerly Invitae), Labcorp
Classification: Pathogenic for Primary ciliary dyskinesia. Last evaluated: 2023-12-19. Review status: criteria provided, single submitter. Criteria: Invitae Variant Classification Sherloc (09022015). Collection method: clinical testing. Allele origin: germline.
Comment: This sequence change creates a premature translational stop signal (p.Arg857*) in the DNAH11 gene. It is expected to result in an absent or disrupted protein product. Loss-of-function variants in DNAH11 are known to be pathogenic (PMID: 18022865, 20513915, 22184204). The frequency data for this variant in the population databases is considered unreliable, as metrics indicate poor data quality at this position in the gnomAD database. This premature translational stop signal has been observed in individual(s) with primary ciliary dyskinesia (PMID: 22184204). ClinVar contains an entry for this variant (Variation ID: 845439). Algorithms developed to predict the effect of sequence changes on RNA splicing suggest that this variant may disrupt the consensus splice site. For these reasons, this variant has been classified as Pathogenic.

Blueprint Genetics
Classification: Likely pathogenic for DNAH11-related disorders. Last evaluated: 2019-12-19. Review status: criteria provided, single submitter. Criteria: ACMG Guidelines, 2015. Collection method: clinical testing. Allele origin: germline. Affected: yes. Observed: 2 variant alleles.

Juno Genomics, Hangzhou Juno Genomics, Inc
Classification: Pathogenic for Primary ciliary dyskinesia 7. Review status: criteria provided, single submitter. Criteria: ACMG Guidelines, 2015. Collection method: clinical testing. Allele origin: germline.
Comment: Absent from controls (or at extremely low frequency if recessive) in Genome Aggregation Database.;Null variant in a gene where loss of function (LOF) is a known mechanism of disease.;For recessive disorders, detected in trans with a pathogenic variant.

Literature cited by the submitters: PubMed 18022865 (cited by Labcorp Genetics (formerly Invitae), Labcorp); PubMed 20513915 (cited by Labcorp Genetics (formerly Invitae), Labcorp); PubMed 22184204 (cited by Labcorp Genetics (formerly Invitae), Labcorp).

NM_001277115.2(DNAH11):c.2569C>T (p.Arg857Ter)

Gene: DNAH11 (dynein axonemal heavy chain 11; plus strand). Cytogenetic location: 7p15.3.
Variant type: single nucleotide variant.
Coding change: c.2569C>T on transcript NM_001277115.2 (MANE Select); coding-DNA position 2569, C replaced by T.
Protein change: p.Arg857Ter; replaces arginine 857 with a stop codon.
Molecular consequence: nonsense.
Genome position (GRCh38, 1-based): chr7:21,591,479, C>T. VCF-style: chr7-21591479-C-T. GRCh37 (hg19) VCF-style: chr7-21631097-C-T.
Other names: short protein forms R857*.
Identifiers: ClinVar variation 845439 (VCV000845439.12), dbSNP rs72655998, ClinGen allele CA4179373.